The following is an entry in ClinVar:

ClinVar aggregate classification (germline): Uncertain significance (1 of 4 stars; one submission).

Conditions:
Episodic ataxia type 1 (EA1). Also called: Episodic ataxia/myokymia syndrome; ATAXIA, EPISODIC, WITH MYOKYMIA; PAROXYSMAL ATAXIA WITH NEUROMYOTONIA, HEREDITARY; MYOKYMIA WITH PERIODIC ATAXIA. Identifiers: Orphanet 37612, Orphanet 972, MedGen C1719788, MONDO:0008047, OMIM 160120.

gnomAD v4.1: 3 of 1,614,062 alleles (0.00019%); highest among the groups gnomAD compares: East Asian, 0.0067%; no homozygotes.

Submission:

Labcorp Genetics (formerly Invitae), Labcorp
Classification: Uncertain significance for Episodic ataxia type 1. Last evaluated: 2023-11-14. Review status: criteria provided, single submitter. Criteria: Invitae Variant Classification Sherloc (09022015). Collection method: clinical testing. Allele origin: germline.
Comment: This sequence change replaces valine, which is neutral and non-polar, with phenylalanine, which is neutral and non-polar, at codon 471 of the KCNA1 protein (p.Val471Phe). The frequency data for this variant in the population databases is considered unreliable, as metrics indicate poor data quality at this position in the gnomAD database. This variant has not been reported in the literature in individuals affected with KCNA1-related conditions. Advanced modeling of protein sequence and biophysical properties (such as structural, functional, and spatial information, amino acid conservation, physicochemical variation, residue mobility, and thermodynamic stability) performed at Invitae indicates that this missense variant is not expected to disrupt KCNA1 protein function with a negative predictive value of 95%. In summary, the available evidence is currently insufficient to determine the role of this variant in disease. Therefore, it has been classified as a Variant of Uncertain Significance.

NM_000217.3(KCNA1):c.1411G>T (p.Val471Phe)

Gene: KCNA1 (potassium voltage-gated channel subfamily A member 1; plus strand). Cytogenetic location: 12p13.32.
Variant type: single nucleotide variant.
Coding change: c.1411G>T on transcript NM_000217.3 (MANE Select); coding-DNA position 1411, G replaced by T.
Protein change: p.Val471Phe; replaces valine 471 with phenylalanine.
Molecular consequence: missense variant.
Genome position (GRCh38, 1-based): chr12:4,912,789, G>T. VCF-style: chr12-4912789-G-T. GRCh37 (hg19) VCF-style: chr12-5021955-G-T.
Other names: short protein forms V471F.
Identifiers: ClinVar variation 2993915 (VCV002993915.3), dbSNP rs780167432, ClinGen allele CA6399505.
Genomic context (GRCh38, chr12:4,912,789, plus strand): 5'-AAGTCTGAGTACATGGAGATCGAAGAGGATATGAATAATAGCATAGCCCATTATAGACAG[G>T]TCAATATCAGAACTGCCAATTGCACCACTGCTAACCAAAACTGCGTTAATAAGAGCAAGC-3'
Protein context (NP_000208.2, residues 461-481): MNNSIAHYRQ[Val471Phe]NIRTANCTTA